The following is an entry in ClinVar:

NM_032444.4(SLX4):c.2776T>C (p.Cys926Arg)

Gene: SLX4 (SLX4 structure-specific endonuclease subunit; minus strand). Cytogenetic location: 16p13.3.
Variant type: single nucleotide variant.
Coding change: c.2776T>C on transcript NM_032444.4 (MANE Select); coding-DNA position 2776, T replaced by C.
Protein change: p.Cys926Arg; replaces cysteine 926 with arginine.
Molecular consequence: missense variant.
Genome position (GRCh38, 1-based): chr16:3,590,862, A>G on the plus strand (T>C on the coding strand, the complement: SLX4 is on the minus strand). VCF-style: chr16-3590862-A-G. GRCh37 (hg19) VCF-style: chr16-3640863-A-G.
Other names: short protein forms C926R.
Identifiers: ClinVar variation 1037975 (VCV001037975.9), dbSNP rs201703364, ClinGen allele CA7866076.

ClinVar aggregate classification (germline): Uncertain significance (1 of 4 stars; one submission).

Conditions:
Fanconi anemia (FA). Also called: Fanconi's anemia. Identifiers: Orphanet 84, MedGen C0015625, MeSH D005199, MONDO:0019391.

Allele frequency attached by ClinVar (database versions not stated): gnomAD 0.00001; gnomAD exomes 0.00001; TOPMed 0.00001; ExAC 0.00002; 1000 Genomes Project 30x 0.00016; 1000 Genomes Project 0.00020.
gnomAD v4.1: 6 of 1,614,042 alleles (0.00037%); highest among the groups gnomAD compares: East Asian, 0.013%; no homozygotes.

Submission:

Labcorp Genetics (formerly Invitae), Labcorp
Classification: Uncertain significance for Fanconi anemia. Last evaluated: 2022-03-27. Review status: criteria provided, single submitter. Criteria: Invitae Variant Classification Sherloc (09022015). Collection method: clinical testing. Allele origin: germline.
Comment: This sequence change replaces cysteine, which is neutral and slightly polar, with arginine, which is basic and polar, at codon 926 of the SLX4 protein (p.Cys926Arg). This variant is present in population databases (rs201703364, gnomAD 0.01%). This variant has not been reported in the literature in individuals affected with SLX4-related conditions. ClinVar contains an entry for this variant (Variation ID: 1037975). Algorithms developed to predict the effect of missense changes on protein structure and function output the following: SIFT: "Tolerated"; PolyPhen-2: "Benign"; Align-GVGD: "Class C0". The arginine amino acid residue is found in multiple mammalian species, which suggests that this missense change does not adversely affect protein function. In summary, the available evidence is currently insufficient to determine the role of this variant in disease. Therefore, it has been classified as a Variant of Uncertain Significance.